The following is an entry in ClinVar:

NM_003200.5(TCF3):c.769G>A (p.Gly257Ser)

Gene: TCF3 (transcription factor 3; minus strand). Cytogenetic location: 19p13.3.
Variant type: single nucleotide variant.
Coding change: c.769G>A on transcript NM_003200.5 (MANE Select); coding-DNA position 769, G replaced by A.
Protein change: p.Gly257Ser; replaces glycine 257 with serine.
Molecular consequence: missense variant.
Genome position (GRCh38, 1-based): chr19:1,622,107, C>T on the plus strand (G>A on the coding strand, the complement: TCF3 is on the minus strand). VCF-style: chr19-1622107-C-T. GRCh37 (hg19) VCF-style: chr19-1622106-C-T.
Other names: c.769G>A, p.Gly257Ser (NM_001136139.4, NM_001351778.2, NM_001351779.2); short protein forms G257S.
Identifiers: ClinVar variation 1521517 (VCV001521517.6), dbSNP rs773573375, ClinGen allele CA9050236.

ClinVar aggregate classification (germline): Uncertain significance (1 of 4 stars; one submission).

Allele frequency attached by ClinVar (database versions not stated): ExAC 0.00001.

Submission:

Labcorp Genetics (formerly Invitae), Labcorp
Classification: Uncertain significance. Last evaluated: 2025-10-24. Review status: criteria provided, single submitter. Criteria: Invitae Variant Classification Sherloc (09022015). Collection method: clinical testing. Allele origin: germline.
Comment: This sequence change replaces glycine, which is neutral and non-polar, with serine, which is neutral and polar, at codon 257 of the TCF3 protein (p.Gly257Ser). The frequency data for this variant in the population databases is considered unreliable, as metrics indicate poor data quality at this position in the gnomAD database. This variant has not been reported in the literature in individuals affected with TCF3-related conditions. ClinVar contains an entry for this variant (Variation ID: 1521517). An algorithm developed to predict the effect of missense changes on protein structure and function outputs the following: PolyPhen-2: "Benign". The serine amino acid residue is found in multiple mammalian species, which suggests that this missense change does not adversely affect protein function. In summary, the available evidence is currently insufficient to determine the role of this variant in disease. Therefore, it has been classified as a Variant of Uncertain Significance.